The following is an entry in ClinVar:

ClinVar aggregate classification (germline): Uncertain significance. Review status: criteria provided, multiple submitters, no conflicts (2 of 4 stars). 3 submissions from 3 submitters: Uncertain significance (3). Last evaluated 2025-03-20.

Conditions:
Autosomal recessive limb-girdle muscular dystrophy type 2P. Also called: Limb-Girdle Muscular Dystrophy Type 9C; MUSCULAR DYSTROPHY, LIMB-GIRDLE, TYPE 2P; MUSCULAR DYSTROPHY-DYSTROGLYCANOPATHY, LIMB-GIRDLE, DAG1-RELATED. Identifiers: Orphanet 280333, MedGen C4511963, MONDO:0013440, OMIM 613818.
Muscular dystrophy-dystroglycanopathy (congenital with brain and eye anomalies), type A9. Also called: WALKER-WARBURG SYNDROME OR MUSCLE-EYE BRAIN DISEASE, DAG1-RELATED; Muscular dystrophy-dystroglycanopathy (congenital with brain and eye anomalies), type a, 9. Identifiers: Orphanet 370997, Orphanet 899, MedGen C4225291, MONDO:0014683, OMIM 616538.

Allele frequency attached by ClinVar (database versions not stated): gnomAD exomes below 0.00001 and 0.00001.
gnomAD v4.1: 7 of 1,610,980 alleles (0.00043%); highest among the groups gnomAD compares: Non-Finnish European, 0.00059%; no homozygotes.

Submissions (3):

Revvity Omics, Revvity
Classification: Uncertain significance. Last evaluated: 2025-03-20. Review status: criteria provided, single submitter. Criteria: ACMG Guidelines, 2015. Collection method: clinical testing. Allele origin: germline.

Blueprint Genetics
Classification: Uncertain significance. Last evaluated: 2024-10-09. Review status: criteria provided, single submitter. Criteria: ACMG Guidelines, 2015. Collection method: clinical testing. Allele origin: germline.

Labcorp Genetics (formerly Invitae), Labcorp
Classification: Uncertain significance for Autosomal recessive limb-girdle muscular dystrophy type 2P; Muscular dystrophy-dystroglycanopathy (congenital with brain and eye anomalies), type A9. Last evaluated: 2020-03-22. Review status: criteria provided, single submitter. Criteria: Invitae Variant Classification Sherloc (09022015). Collection method: clinical testing. Allele origin: germline.
Comment: In summary, the available evidence is currently insufficient to determine the role of this variant in disease. Therefore, it has been classified as a Variant of Uncertain Significance. Algorithms developed to predict the effect of missense changes on protein structure and function are either unavailable or do not agree on the potential impact of this missense change (SIFT: "Tolerated"; PolyPhen-2: "Probably Damaging"; Align-GVGD: "Class C0"). This variant has not been reported in the literature in individuals with DAG1-related conditions. This variant is not present in population databases (ExAC no frequency). This sequence change replaces serine with proline at codon 441 of the DAG1 protein (p.Ser441Pro). The serine residue is moderately conserved and there is a moderate physicochemical difference between serine and proline.

NM_004393.6(DAG1):c.1321T>C (p.Ser441Pro)

Gene: DAG1 (dystroglycan 1; plus strand). Cytogenetic location: 3p21.31.
Variant type: single nucleotide variant.
Coding change: c.1321T>C on transcript NM_004393.6 (MANE Select); coding-DNA position 1321, T replaced by C.
Protein change: p.Ser441Pro; replaces serine 441 with proline.
Molecular consequence: missense variant.
Genome position (GRCh38, 1-based): chr3:49,531,832, T>C. VCF-style: chr3-49531832-T-C. GRCh37 (hg19) VCF-style: chr3-49569265-T-C.
Other names: c.1321T>C, p.Ser441Pro (NM_001165928.4, NM_001177634.3, NM_001177635.3 and 9 more transcripts); short protein forms S441P.
Identifiers: ClinVar variation 1045273 (VCV001045273.7), dbSNP rs899605177, ClinGen allele CA74522180.
Genomic context (GRCh38, chr3:49,531,832, plus strand): 5'-ACAACCACCACCAAGAAGCCACGAGTATCCACACCAAAACCAGCAACGCCTTCAACTGAC[T>C]CCACCACCACCACGACTCGCAGGCCAACCAAGAAACCACGGACACCCCGGCCAGTGCCCC-3'
Protein context (NP_004384.5, residues 431-451): TPKPATPSTD[Ser441Pro]TTTTTRRPTK